The following is an entry in ClinVar:

NM_000435.3(NOTCH3):c.5615G>A (p.Gly1872Asp)

Gene: NOTCH3 (notch receptor 3; minus strand). Cytogenetic location: 19p13.12.
Variant type: single nucleotide variant.
Coding change: c.5615G>A on transcript NM_000435.3 (MANE Select); coding-DNA position 5615, G replaced by A.
Protein change: p.Gly1872Asp; replaces glycine 1872 with aspartic acid.
Molecular consequence: missense variant.
Genome position (GRCh38, 1-based): chr19:15,165,839, C>T on the plus strand (G>A on the coding strand, the complement: NOTCH3 is on the minus strand). VCF-style: chr19-15165839-C-T. GRCh37 (hg19) VCF-style: chr19-15276650-C-T.
Other names: short protein forms G1872D.
Identifiers: ClinVar variation 3201376 (VCV003201376.3), dbSNP rs1340938979, ClinGen allele CA404494237.

ClinVar aggregate classification (germline): Uncertain significance. Review status: criteria provided, multiple submitters, no conflicts (2 of 4 stars). 3 submissions from 3 submitters: Uncertain significance (2). 1 of the submissions does not count toward it. Last evaluated 2023-11-15.

Conditions:
Inborn genetic diseases. Identifiers: MedGen C0950123, MeSH D030342.
NOTCH3-related disorder. Also called: NOTCH3-related condition; NOTCH3-related disorders.

Allele frequency attached by ClinVar (database versions not stated): gnomAD exomes below 0.00001; TOPMed 0.00001.
gnomAD v4.1: 1 of 1,613,882 alleles (0.000062%); highest among the groups gnomAD compares: Non-Finnish European, 0.000085%; no homozygotes.

Submissions (3):

Ambry Genetics
Classification: Uncertain significance for Inborn genetic diseases. Last evaluated: 2023-11-15. Review status: criteria provided, single submitter. Criteria: Ambry Variant Classification Scheme 2023. Collection method: clinical testing. Allele origin: germline.

Blueprint Genetics
Classification: Uncertain significance. Last evaluated: 2021-05-11. Review status: criteria provided, single submitter. Criteria: ACMG Guidelines, 2015. Collection method: clinical testing. Allele origin: germline.

PreventionGenetics, part of Exact Sciences
Classification: Uncertain significance for NOTCH3-related condition. Last evaluated: 2024-04-11. Review status: no assertion criteria provided. Collection method: clinical testing. Allele origin: germline. Not counted in ClinVar's aggregate classification.
Comment: The NOTCH3 c.5615G>A variant is predicted to result in the amino acid substitution p.Gly1872Asp. To our knowledge, this variant has not been reported in the literature or in a large population database, indicating this variant is rare. At this time, the clinical significance of this variant is uncertain due to the absence of conclusive functional and genetic evidence.